The following is an entry in ClinVar:

NM_013247.5(HTRA2):c.25G>C (p.Gly9Arg)

Gene: HTRA2 (HtrA serine peptidase 2; plus strand). Cytogenetic location: 2p13.1.
Variant type: single nucleotide variant.
Coding change: c.25G>C on transcript NM_013247.5 (MANE Select); coding-DNA position 25, G replaced by C.
Protein change: p.Gly9Arg; replaces glycine 9 with arginine.
Molecular consequence: missense variant. On other transcripts: non-coding transcript variant (1).
Genome position (GRCh38, 1-based): chr2:74,530,031, G>C. VCF-style: chr2-74530031-G-C. GRCh37 (hg19) VCF-style: chr2-74757158-G-C.
Other names: c.25G>C, p.Gly9Arg (NM_145074.2, NM_001321727.1, NM_001321728.1); short protein forms G9R.
Identifiers: ClinVar variation 3107610 (VCV003107610.15), dbSNP rs1192070557, ClinGen allele CA347375378.

ClinVar aggregate classification (germline): Uncertain significance. Review status: criteria provided, multiple submitters, no conflicts (2 of 4 stars). 2 submissions from 2 submitters: Uncertain significance (2). Last evaluated 2024-09-01.

Conditions:
Inborn genetic diseases. Identifiers: MedGen C0950123, MeSH D030342.

Allele frequency attached by ClinVar (database versions not stated): gnomAD 0.00001; TOPMed 0.00001.
gnomAD v4.1: 2 of 1,552,692 alleles (0.00013%); highest among the groups gnomAD compares: Non-Finnish European, 0.00017%; no homozygotes.

Submissions (2):

CeGaT Center for Human Genetics Tuebingen
Classification: Uncertain significance. Last evaluated: 2024-09-01. Review status: criteria provided, single submitter. Criteria: CeGaT Center For Human Genetics Tuebingen Variant Classification Criteria Version 2. Collection method: clinical testing. Allele origin: germline. Affected: yes. Observed: 1 variant allele.
Comment: HTRA2: PM2

Ambry Genetics
Classification: Uncertain significance for Inborn genetic diseases. Last evaluated: 2024-01-16. Review status: criteria provided, single submitter. Criteria: Ambry Variant Classification Scheme 2023. Collection method: clinical testing. Allele origin: germline.